The following is an entry in ClinVar:

ClinVar aggregate classification (germline): Uncertain significance (1 of 4 stars; one submission).

Allele frequency attached by ClinVar (database versions not stated): gnomAD exomes below 0.00001.
gnomAD v4.1: 2 of 1,596,286 alleles (0.00013%); highest among the groups gnomAD compares: Non-Finnish European, 0.00017%; no homozygotes.

Submission:

GeneDx
Classification: Uncertain significance. Last evaluated: 2019-11-08. Review status: criteria provided, single submitter. Criteria: GeneDx Variant Classification Process June 2021. Collection method: clinical testing. Allele origin: germline. Affected: yes.
Comment: Not observed in large population cohorts (Lek et al., 2016); In silico analysis, which includes protein predictors and evolutionary conservation, supports that this variant does not alter protein structure/function; Has not been previously published as pathogenic or benign to our knowledge

NM_006265.3(RAD21):c.793G>A (p.Asp265Asn)

Gene: RAD21 (RAD21 cohesin complex component; minus strand). Cytogenetic location: 8q24.11.
Variant type: single nucleotide variant.
Coding change: c.793G>A on transcript NM_006265.3 (MANE Select); coding-DNA position 793, G replaced by A.
Protein change: p.Asp265Asn; replaces aspartic acid 265 with asparagine.
Molecular consequence: missense variant.
Genome position (GRCh38, 1-based): chr8:116,856,667, C>T on the plus strand (G>A on the coding strand, the complement: RAD21 is on the minus strand). VCF-style: chr8-116856667-C-T. GRCh37 (hg19) VCF-style: chr8-117868906-C-T.
Other names: short protein forms D265N.
Identifiers: ClinVar variation 1315859 (VCV001315859.2), dbSNP rs2130467911, ClinGen allele CA372004753.